The following is an entry in ClinVar:

NM_000536.4(RAG2):c.293del (p.Thr98fs)

Gene: RAG2 (recombination activating 2; minus strand). Cytogenetic location: 11p12.
Variant type: Deletion.
Coding change: c.293del on transcript NM_000536.4 (MANE Select); coding-DNA position 293, one base deleted (C; older notation c.293delC).
Protein change: p.Thr98fs; shifts the reading frame from threonine 98.
Molecular consequence: frameshift variant.
Genome position (GRCh38, 1-based): chr11:36,593,876, G deleted on the plus strand (C on the coding strand, the reverse complement: RAG2 is on the minus strand). VCF-style (leftmost placement, unchanged base first): chr11-36593875-TG-T. GRCh37 (hg19) VCF-style: chr11-36615425-TG-T.
Other names: c.293del, p.Thr98fs (NM_001243785.2, NM_001243786.2); short protein forms T98fs.
Identifiers: ClinVar variation 839979 (VCV000839979.9), dbSNP rs1851096223, ClinGen allele CA916082342.
Genomic context (GRCh38, chr11:36,593,875, plus strand): 5'-TTTGTTGTTCTTGCAAACAATAGACATGACATAAATCTTATCTGAAACCTCATTGTTTGG[TG>T]TTTTCCCTCCATGGATGATGTATTGATGCTTTTCAGACTCCAAGCTGCCTTTGAATGTGC-3'

ClinVar aggregate classification (germline): Pathogenic (1 of 4 stars; one submission).

Conditions:
Combined immunodeficiency with skin granulomas. Identifiers: Orphanet 157949, MedGen C2673536, MONDO:0009306, OMIM 233650.
Severe combined immunodeficiency, autosomal recessive, T cell-negative, B cell-negative, NK cell-positive. Also called: SCID, T CELL-NEGATIVE, B CELL-NEGATIVE, NK CELL-POSITIVE; SCID, AR, T-cell negative, B-cell negative, NK cell-positive; Severe combined immunodeficiency due to complete RAG1/2 deficiency. Identifiers: Orphanet 331206, MedGen C1832322, MONDO:0011086, OMIM 601457.

Submission:

Labcorp Genetics (formerly Invitae), Labcorp
Classification: Pathogenic for Combined immunodeficiency with skin granulomas; Severe combined immunodeficiency, autosomal recessive, T cell-negative, B cell-negative, NK cell-positive. Last evaluated: 2019-11-20. Review status: criteria provided, single submitter. Criteria: Invitae Variant Classification Sherloc (09022015). Collection method: clinical testing. Allele origin: germline.
Comment: For these reasons, this variant has been classified as Pathogenic. This deletion results in the loss of more than 60% of the protein and affects important functional domains for enzymatic activity and histone interaction (PMID: 16111638, 18033247, 25707801, 26692406). Furthermore, many variants in this region have been reported to be deleterious (PMID: 11133745, 16960852). This variant has not been reported in the literature in individuals with RAG2-related conditions. This variant is not present in population databases (ExAC no frequency). This sequence change results in a premature translational stop signal in the RAG2 gene (p.Thr98Asnfs*33). While this is not anticipated to result in nonsense mediated decay, it is expected to disrupt the last 429 amino acids of the RAG2 protein.

Literature cited by the submitters: PubMed 16111638; PubMed 18033247; PubMed 25707801; PubMed 26692406; PubMed 11133745; PubMed 16960852.